The following is an entry in ClinVar:

ClinVar aggregate classification (germline): Uncertain significance (1 of 4 stars; one submission).

Submission:

GeneDx
Classification: Uncertain significance. Last evaluated: 2026-03-21. Review status: criteria provided, single submitter. Criteria: GeneDx Variant Classification Process June 2021. Collection method: clinical testing. Allele origin: germline.
Comment: Not observed at significant frequency in large population cohorts (gnomAD); In silico analysis supports that this missense variant has a deleterious effect on protein structure/function; Has not been previously published as pathogenic or benign to our knowledge

NM_005573.4(LMNB1):c.1389T>A (p.Asp463Glu)

Gene: LMNB1 (lamin B1; plus strand). Cytogenetic location: 5q23.2.
Variant type: single nucleotide variant.
Coding change: c.1389T>A on transcript NM_005573.4 (MANE Select); coding-DNA position 1389, T replaced by A.
Protein change: p.Asp463Glu; replaces aspartic acid 463 with glutamic acid.
Molecular consequence: missense variant. On other transcripts: non-coding transcript variant (2).
Genome position (GRCh38, 1-based): chr5:126,822,783, T>A. VCF-style: chr5-126822783-T-A. GRCh37 (hg19) VCF-style: chr5-126158475-T-A.
Other names: c.759T>A, p.Asp253Glu (NM_001198557.2); short protein forms D463E, D253E.
Identifiers: ClinVar variation 5009578 (VCV005009578.1).